The following is an entry in ClinVar:

NM_000264.5(PTCH1):c.900C>T (p.Ala300=)

Gene: PTCH1 (patched 1; minus strand). Cytogenetic location: 9q22.32.
Variant type: single nucleotide variant.
Coding change: c.900C>T on transcript NM_000264.5 (MANE Select); coding-DNA position 900, C replaced by T.
Protein change: p.Ala300=; no amino-acid change (alanine 300 retained).
Molecular consequence: synonymous variant. On other transcripts: non-coding transcript variant (1).
Genome position (GRCh38, 1-based): chr9:95,480,435, G>A on the plus strand (C>T on the coding strand, the complement: PTCH1 is on the minus strand). VCF-style: chr9-95480435-G-A. GRCh37 (hg19) VCF-style: chr9-98242717-G-A.
Other names: c.702C>T, p.Ala234= (NM_001083602.3); c.897C>T, p.Ala299= (NM_001083603.3); c.447C>T, p.Ala149= (NM_001083604.3, NM_001083605.3, NM_001083606.3 and 1 more transcripts); c.900C>T, p.Ala300= (NM_001354918.2).
Identifiers: ClinVar variation 787475 (VCV000787475.16), dbSNP rs201962105, ClinGen allele CA5138824.

ClinVar aggregate classification (germline): Likely benign. Review status: criteria provided, multiple submitters, no conflicts (2 of 4 stars). 3 submissions from 3 submitters: Likely benign (3). Last evaluated 2025-12-20.

Conditions:
Hereditary cancer-predisposing syndrome. Also called: Hereditary neoplastic syndrome; Neoplastic Syndromes, Hereditary; Hereditary Cancer Syndrome; Tumor predisposition. Identifiers: Orphanet 140162, MedGen C0027672, MeSH D009386, MONDO:0015356.
Gorlin syndrome. Also called: Basal cell nevus syndrome; Nevoid Basal Cell Carcinoma Syndrome. Identifiers: Orphanet 377, MedGen C0004779, MONDO:0007187.
PTCH1-related disorder. Also called: PTCH1-related disorders; PTCH1-related condition.

Allele frequency attached by ClinVar (database versions not stated): gnomAD exomes 0.00001 and 0.00002; ExAC 0.00002; gnomAD 0.00002 and 0.00003; TOPMed 0.00005; 1000 Genomes Project 0.00020; 1000 Genomes Project 30x 0.00031.
gnomAD v4.1: 19 of 1,611,110 alleles (0.0012%); highest among the groups gnomAD compares: Admixed American, 0.01%; no homozygotes.

Submissions (3):

Labcorp Genetics (formerly Invitae), Labcorp
Classification: Likely benign for Gorlin syndrome. Last evaluated: 2025-12-20. Review status: criteria provided, single submitter. Criteria: Invitae Variant Classification Sherloc (09022015). Collection method: clinical testing. Allele origin: germline.

PreventionGenetics, part of Exact Sciences
Classification: Likely benign for PTCH1-related condition. Last evaluated: 2025-05-13. Review status: criteria provided, single submitter. Criteria: ACMG Guidelines, 2015. Collection method: clinical testing. Allele origin: germline.
Comment: This variant is classified as likely benign based on ACMG/AMP sequence variant interpretation guidelines (Richards et al. 2015 PMID: 25741868, with internal and published modifications).

Ambry Genetics
Classification: Likely benign for Hereditary cancer-predisposing syndrome. Last evaluated: 2017-12-04. Review status: criteria provided, single submitter. Criteria: Ambry Variant Classification Scheme 2023. Collection method: clinical testing. Allele origin: germline.